The following is an entry in ClinVar:

NM_025114.4(CEP290):c.7014A>G (p.Lys2338=)

Gene: CEP290 (centrosomal protein 290; minus strand). Cytogenetic location: 12q21.32.
Variant type: single nucleotide variant.
Coding change: c.7014A>G on transcript NM_025114.4 (MANE Select); coding-DNA position 7014, A replaced by G.
Protein change: p.Lys2338=; no amino-acid change (lysine 2338 retained).
Molecular consequence: synonymous variant.
Genome position (GRCh38, 1-based): chr12:88,054,360, T>C on the plus strand (A>G on the coding strand, the complement: CEP290 is on the minus strand). VCF-style: chr12-88054360-T-C. GRCh37 (hg19) VCF-style: chr12-88448137-T-C.
Identifiers: ClinVar variation 3353476 (VCV003353476.1).
Genomic context (GRCh38, chr12:88,054,360, plus strand): 5'-AAAGAAAAAAACAAAGTAGTCATATGAATACATGATGTACCTAAGAACTTGAAGCTCCCG[T>C]TTAAGGCCTTGCTCTGTCTCAGCACCTTCAGGAACATGTTTAAGAATCTTAATCTTTGAG-3'
Protein context (NP_079390.3, residues 2328-2348): PEGAETEQGL[Lys2338=]RELQVLRLAN

ClinVar aggregate classification (germline): Likely benign (0 of 4 stars; one submission).

Conditions:
CEP290-related disorder. Also called: CEP290-related condition; CEP290-related disorders. Identifiers: MedGen CN239314.

Submission:

PreventionGenetics, part of Exact Sciences
Classification: Likely benign for CEP290-related condition. Last evaluated: 2022-10-07. Review status: no assertion criteria provided. Collection method: clinical testing. Allele origin: germline.
Comment: This variant is classified as likely benign based on ACMG/AMP sequence variant interpretation guidelines (Richards et al. 2015 PMID: 25741868, with internal and published modifications).